The following is an entry in ClinVar:

NM_001197104.2(KMT2A):c.9737T>C (p.Ile3246Thr)

Gene: KMT2A (lysine methyltransferase 2A; plus strand). Cytogenetic location: 11q23.3.
Variant type: single nucleotide variant.
Coding change: c.9737T>C on transcript NM_001197104.2 (MANE Select); coding-DNA position 9737, T replaced by C.
Protein change: p.Ile3246Thr; replaces isoleucine 3246 with threonine.
Molecular consequence: missense variant.
Genome position (GRCh38, 1-based): chr11:118,505,629, T>C. VCF-style: chr11-118505629-T-C. GRCh37 (hg19) VCF-style: chr11-118376344-T-C.
Other names: c.9827T>C, p.Ile3276Thr (NM_001412597.1); c.9728T>C, p.Ile3243Thr (NM_005933.4); short protein forms I3276T, I3246T, I3243T.
Identifiers: ClinVar variation 2989583 (VCV002989583.22), dbSNP rs1259638674, ClinGen allele CA382821554.

ClinVar aggregate classification (germline): Conflicting classifications of pathogenicity. Review status: criteria provided, conflicting classifications (1 of 4 stars). 3 submissions from 3 submitters: Uncertain significance (2); Likely benign (1). Last evaluated 2026-01-24.

Allele frequency attached by ClinVar (database versions not stated): gnomAD exomes below 0.00001; gnomAD 0.00005; TOPMed 0.00007.
gnomAD v4.1: 11 of 1,614,038 alleles (0.00068%); highest among the groups gnomAD compares: African/African-American, 0.015%; no homozygotes.

Submissions (3):

Labcorp Genetics (formerly Invitae), Labcorp
Classification: Uncertain significance. Last evaluated: 2026-01-24. Review status: criteria provided, single submitter. Criteria: Invitae Variant Classification Sherloc (09022015). Collection method: clinical testing. Allele origin: germline.
Comment: This sequence change replaces isoleucine, which is neutral and non-polar, with threonine, which is neutral and polar, at codon 3246 of the KMT2A protein (p.Ile3246Thr). This variant is present in population databases (no rsID available, gnomAD 0.008%). This variant has not been reported in the literature in individuals affected with KMT2A-related conditions. ClinVar contains an entry for this variant (Variation ID: 2989583). Invitae Evidence Modeling of protein sequence and biophysical properties (such as structural, functional, and spatial information, amino acid conservation, physicochemical variation, residue mobility, and thermodynamic stability) indicates that this missense variant is not expected to disrupt KMT2A protein function with a negative predictive value of 95%. In summary, the available evidence is currently insufficient to determine the role of this variant in disease. Therefore, it has been classified as a Variant of Uncertain Significance.

Women's Health and Genetics/Laboratory Corporation of America, LabCorp
Classification: Uncertain significance. Last evaluated: 2025-10-09. Review status: criteria provided, single submitter. Criteria: LabCorp Variant Classification Summary - May 2015. Collection method: clinical testing. Allele origin: germline.
Comment: Variant summary: KMT2A c.9737T>C (p.Ile3246Thr) results in a non-conservative amino acid change in the encoded protein sequence. Algorithms developed to predict the effect of missense changes on protein structure and function are either unavailable or do not agree on the potential impact of this missense change. The variant allele was found at a frequency of 8e-06 in 251430 control chromosomes. The available data on variant occurrences in the general population are insufficient to allow any conclusion about variant significance. To our knowledge, no occurrence of c.9737T>C in individuals affected with KMT2A-related conditions and no experimental evidence demonstrating its impact on protein function have been reported. ClinVar contains an entry for this variant (Variation ID: 2989583). Based on the evidence outlined above, the variant was classified as uncertain significance.

CeGaT Center for Human Genetics Tuebingen
Classification: Likely benign. Last evaluated: 2024-06-01. Review status: criteria provided, single submitter. Criteria: CeGaT Center For Human Genetics Tuebingen Variant Classification Criteria Version 2. Collection method: clinical testing. Allele origin: germline. Affected: yes. Observed: 1 variant allele.
Comment: KMT2A: BS2